The following is an entry in ClinVar:

ClinVar aggregate classification (germline): Conflicting classifications of pathogenicity. Review status: criteria provided, conflicting classifications (1 of 4 stars). 7 submissions from 6 submitters: Uncertain significance (4); Likely benign (2). 1 of the submissions does not count toward it. Last evaluated 2025-09-30.

Conditions:
Short-rib thoracic dysplasia 7 with or without polydactyly (SRTD7). Also called: Short rib polydactyly syndrome 5; SHORT-RIB THORACIC DYSPLASIA 7 WITH POLYDACTYLY. Identifiers: Orphanet 498497, Orphanet 93271, MedGen C3279792, MONDO:0013569, OMIM 614091.
WDR35-related disorder. Also called: WDR35-related condition; WDR35-related disorders. Identifiers: MedGen CN239419.
Cranioectodermal dysplasia 2 (CED2). Identifiers: Orphanet 1515, MedGen C3150874, MONDO:0013323, OMIM 613610.

Allele frequency attached by ClinVar (database versions not stated): ExAC 0.00012; gnomAD exomes 0.00017 and 0.00038; ESP Exome Variant Server 0.00023; gnomAD 0.00028 and 0.00030; 1000 Genomes Project 0.00040; 1000 Genomes Project 30x 0.00047.
gnomAD v4.1: 599 of 1,605,054 alleles (0.037%); highest among the groups gnomAD compares: Non-Finnish European, 0.047%; 1 homozygote.

Submissions (7):

Labcorp Genetics (formerly Invitae), Labcorp
Classification: Likely benign for Cranioectodermal dysplasia 2; Short-rib thoracic dysplasia 7 with or without polydactyly. Last evaluated: 2025-09-30. Review status: criteria provided, single submitter. Criteria: Invitae Variant Classification Sherloc (09022015). Collection method: clinical testing. Allele origin: germline.

Blueprint Genetics
Classification: Likely benign. Last evaluated: 2024-11-14. Review status: criteria provided, single submitter. Criteria: ACMG Guidelines, 2015. Collection method: clinical testing. Allele origin: germline.

Illumina Laboratory Services, Illumina
Classification: Uncertain significance for Cranioectodermal dysplasia 2. Last evaluated: 2018-01-12. Review status: criteria provided, single submitter. Criteria: ICSL Variant Classification Criteria 13 December 2019. Collection method: clinical testing. Allele origin: germline.

Illumina Laboratory Services, Illumina
Classification: Uncertain significance for Short-rib thoracic dysplasia 7 with or without polydactyly. Last evaluated: 2018-01-12. Review status: criteria provided, single submitter. Criteria: ICSL Variant Classification Criteria 13 December 2019. Collection method: clinical testing. Allele origin: germline.

Eurofins Ntd Llc (ga)
Classification: Uncertain significance. Last evaluated: 2017-05-17. Review status: criteria provided, single submitter. Criteria: EGL Classification Definitions 2015. Collection method: clinical testing. Allele origin: germline. Observed: 1 variant allele, 1 heterozygote.

Genetic Services Laboratory, University of Chicago
Classification: Uncertain significance. Last evaluated: 2016-03-02. Review status: criteria provided, single submitter. Criteria: ACMG Guidelines, 2015. Collection method: clinical testing. Allele origin: germline. Affected: no.

PreventionGenetics, part of Exact Sciences
Classification: Likely benign for WDR35-related condition. Last evaluated: 2024-05-17. Review status: no assertion criteria provided. Collection method: clinical testing. Allele origin: germline. Not counted in ClinVar's aggregate classification.
Comment: This variant is classified as likely benign based on ACMG/AMP sequence variant interpretation guidelines (Richards et al. 2015 PMID: 25741868, with internal and published modifications).

NM_020779.4(WDR35):c.2964+10C>A

Gene: WDR35 (WD repeat domain 35; minus strand). Cytogenetic location: 2p24.1.
Variant type: single nucleotide variant.
Coding change: c.2964+10C>A on transcript NM_020779.4 (MANE Select); 10 bases into the intron after coding-DNA position 2964, C replaced by A.
Molecular consequence: intron variant.
Genome position (GRCh38, 1-based): chr2:19,931,259, G>T on the plus strand (C>A on the coding strand, the complement: WDR35 is on the minus strand). VCF-style: chr2-19931259-G-T. GRCh37 (hg19) VCF-style: chr2-20131020-G-T.
Other names: c.2997+10C>A (NM_001006657.2).
Identifiers: ClinVar variation 437274 (VCV000437274.24), dbSNP rs201207790, ClinGen allele CA1542797.